The following is an entry in ClinVar:

NM_006346.4(PIBF1):c.974G>A (p.Arg325His)

Gene: PIBF1 (progesterone immunomodulatory binding factor 1; plus strand). Cytogenetic location: 13q22.1.
Variant type: single nucleotide variant.
Coding change: c.974G>A on transcript NM_006346.4 (MANE Select); coding-DNA position 974, G replaced by A.
Protein change: p.Arg325His; replaces arginine 325 with histidine.
Molecular consequence: missense variant. On other transcripts: non-coding transcript variant (2).
Genome position (GRCh38, 1-based): chr13:72,827,791, G>A. VCF-style: chr13-72827791-G-A. GRCh37 (hg19) VCF-style: chr13-73401929-G-A.
Other names: c.974G>A, p.Arg325His (NM_001349655.2); short protein forms R325H.
Identifiers: ClinVar variation 4832356 (VCV004832356.2).

ClinVar aggregate classification (germline): Uncertain significance. Review status: criteria provided, multiple submitters, no conflicts (2 of 4 stars). 2 submissions from 2 submitters: Uncertain significance (2). Last evaluated 2026-04-12.

Conditions:
PIBF1-related disorder. Also called: PIBF1-related condition.
Inborn genetic diseases. Identifiers: MedGen C0950123, MeSH D030342.

gnomAD v4.1: 22 of 1,600,722 alleles (0.0014%); highest among the groups gnomAD compares: Middle Eastern, 0.017%; no homozygotes.

Submissions (2):

PreventionGenetics, part of Exact Sciences
Classification: Uncertain significance for PIBF1-related condition. Last evaluated: 2026-04-12. Review status: criteria provided, single submitter. Criteria: ACMG Guidelines, 2015. Collection method: clinical testing. Allele origin: germline.
Comment: The PIBF1 c.974G>A variant is predicted to result in the amino acid substitution p.Arg325His. To our knowledge, this variant has not been reported in the literature. This variant is reported in 0.0027% of alleles in individuals of European (Non-Finnish) descent in gnomAD. At this time, the clinical significance of this variant is uncertain due to the absence of conclusive functional and genetic evidence.

Ambry Genetics
Classification: Uncertain significance for Inborn genetic diseases. Last evaluated: 2025-12-15. Review status: criteria provided, single submitter. Criteria: Ambry Variant Classification Scheme 2023. Collection method: clinical testing. Allele origin: germline.